The following is an entry in ClinVar:

NM_139076.3(ABRAXAS1):c.709G>C (p.Glu237Gln)

Gene: ABRAXAS1 (abraxas 1, BRCA1 A complex subunit; minus strand). Cytogenetic location: 4q21.23.
Variant type: single nucleotide variant.
Coding change: c.709G>C on transcript NM_139076.3 (MANE Select); coding-DNA position 709, G replaced by C.
Protein change: p.Glu237Gln; replaces glutamic acid 237 with glutamine.
Molecular consequence: missense variant.
Genome position (GRCh38, 1-based): chr4:83,463,581, C>G on the plus strand (G>C on the coding strand, the complement: ABRAXAS1 is on the minus strand). VCF-style: chr4-83463581-C-G. GRCh37 (hg19) VCF-style: chr4-84384734-C-G.
Other names: c.382G>C, p.Glu128Gln (NM_001345962.2); short protein forms E237Q, E128Q.
Identifiers: ClinVar variation 3445308 (VCV003445308.1).

ClinVar aggregate classification (germline): Uncertain significance (1 of 4 stars; one submission).

Submission:

Ambry Genetics
Classification: Uncertain significance. Last evaluated: 2024-11-02. Review status: criteria provided, single submitter. Criteria: Ambry Variant Classification Scheme 2023. Collection method: clinical testing. Allele origin: germline.
Comment: The p.E237Q variant (also known as c.709G>C), located in coding exon 8 of the FAM175A gene, results from a G to C substitution at nucleotide position 709. The glutamic acid at codon 237 is replaced by glutamine, an amino acid with highly similar properties. This amino acid position is conserved. In addition, the in silico prediction for this alteration is inconclusive. Based on the available evidence, the clinical significance of this variant remains unclear.